The following is an entry in ClinVar:

ClinVar aggregate classification (germline): Uncertain significance (1 of 4 stars; one submission).

Conditions:
Retinoblastoma (RB1). Also called: RETINOBLASTOMA, SOMATIC. Identifiers: Orphanet 790, MedGen C0035335, MeSH D012175, MONDO:0008380, OMIM 180200, HP:0009919. Disease mechanism: loss of function. Inheritance: Both sporadic and heritable forms are tested..

Allele frequency attached by ClinVar (database versions not stated): gnomAD exomes below 0.00001.
gnomAD v4.1: 1 of 1,563,158 alleles (0.000064%); highest among the groups gnomAD compares: Admixed American, 0.0017%; no homozygotes.

Submission:

Labcorp Genetics (formerly Invitae), Labcorp
Classification: Uncertain significance for Retinoblastoma. Last evaluated: 2020-06-05. Review status: criteria provided, single submitter. Criteria: Invitae Variant Classification Sherloc (09022015). Collection method: clinical testing. Allele origin: germline.
Comment: This sequence change falls in intron 3 of the RB1 gene. It does not directly change the encoded amino acid sequence of the RB1 protein, but it affects a nucleotide within the consensus splice site of the intron. This variant is not present in population databases (ExAC no frequency). This variant has not been reported in the literature in individuals with RB1-related conditions. Nucleotide substitutions within the consensus splice site are a relatively common cause of aberrant splicing (PMID: 17576681, 9536098). Algorithms developed to predict the effect of sequence changes on RNA splicing suggest that this variant is not likely to affect RNA splicing, but this prediction has not been confirmed by published transcriptional studies. In summary, the available evidence is currently insufficient to determine the role of this variant in disease. Therefore, it has been classified as a Variant of Uncertain Significance.

Literature cited by the submitters: PubMed 17576681; PubMed 9536098.

NM_000321.3(RB1):c.380+5A>T

Gene: RB1 (RB transcriptional corepressor 1; plus strand). Cytogenetic location: 13q14.2.
Variant type: single nucleotide variant.
Coding change: c.380+5A>T on transcript NM_000321.3 (MANE Select); 5 bases into the intron after coding-DNA position 380, A replaced by T.
Molecular consequence: intron variant.
Genome position (GRCh38, 1-based): chr13:48,342,719, A>T. VCF-style: chr13-48342719-A-T. GRCh37 (hg19) VCF-style: chr13-48916855-A-T.
Identifiers: ClinVar variation 1051249 (VCV001051249.9), dbSNP rs2138084167, ClinGen allele CA2499222427.